The following is an entry in ClinVar:

ClinVar aggregate classification (germline): Uncertain significance (1 of 4 stars; one submission).

Conditions:
Severe combined immunodeficiency due to DNA-PKcs deficiency. Also called: Immunodeficiency 26 with or without neurologic abnormalities; IMMUNODEFICIENCY 26 WITH NEUROLOGIC ABNORMALITIES. Identifiers: Orphanet 317425, MedGen C4014833, MONDO:0014423, OMIM 615966.

Submission:

Labcorp Genetics (formerly Invitae), Labcorp
Classification: Uncertain significance for Severe combined immunodeficiency due to DNA-PKcs deficiency. Last evaluated: 2022-04-30. Review status: criteria provided, single submitter. Criteria: Invitae Variant Classification Sherloc (09022015). Collection method: clinical testing. Allele origin: germline.
Comment: This sequence change replaces asparagine, which is neutral and polar, with aspartic acid, which is acidic and polar, at codon 1589 of the PRKDC protein (p.Asn1589Asp). In summary, the available evidence is currently insufficient to determine the role of this variant in disease. Therefore, it has been classified as a Variant of Uncertain Significance. Experimental studies and prediction algorithms are not available or were not evaluated, and the functional significance of this variant is currently unknown. This variant has not been reported in the literature in individuals affected with PRKDC-related conditions. This variant is not present in population databases (gnomAD no frequency).

NM_006904.7(PRKDC):c.4765A>G (p.Asn1589Asp)

Gene: PRKDC (protein kinase, DNA-activated, catalytic subunit; minus strand). Cytogenetic location: 8q11.21.
Variant type: single nucleotide variant.
Coding change: c.4765A>G on transcript NM_006904.7 (MANE Select); coding-DNA position 4765, A replaced by G.
Protein change: p.Asn1589Asp; replaces asparagine 1589 with aspartic acid.
Molecular consequence: missense variant.
Genome position (GRCh38, 1-based): chr8:47,885,955, T>C on the plus strand (A>G on the coding strand, the complement: PRKDC is on the minus strand). VCF-style: chr8-47885955-T-C. GRCh37 (hg19) VCF-style: chr8-48798516-T-C.
Other names: c.4765A>G, p.Asn1589Asp (NM_001081640.2); short protein forms N1589D.
Identifiers: ClinVar variation 2132243 (VCV002132243.4), dbSNP rs2551873111, ClinGen allele CA371142651.
Genomic context (GRCh38, chr8:47,885,955, plus strand): 5'-CAAACAAACAAACAAAAAAAACAGTTTATTTAAAGGGAAACTTTGTTACCATTTTGGTAT[T>C]ATCCACTGAAGACTGCATGAGCTCCAATACAGCAAGATCCAGATTTTTCAATAATTCCGT-3'
Protein context (NP_008835.5, residues 1579-1599): VLELMQSSVD[Asn1589Asp]TKMVSAVLNG